The following is an entry in ClinVar:

NM_018706.7(DHTKD1):c.1081C>T (p.His361Tyr)

Gene: DHTKD1 (dehydrogenase E1 and transketolase domain containing 1; plus strand). Cytogenetic location: 10p14.
Variant type: single nucleotide variant.
Coding change: c.1081C>T on transcript NM_018706.7 (MANE Select); coding-DNA position 1081, C replaced by T.
Protein change: p.His361Tyr; replaces histidine 361 with tyrosine.
Molecular consequence: missense variant.
Genome position (GRCh38, 1-based): chr10:12,091,606, C>T. VCF-style: chr10-12091606-C-T. GRCh37 (hg19) VCF-style: chr10-12133605-C-T.
Other names: short protein forms H361Y.
Identifiers: ClinVar variation 2860663 (VCV002860663.3), dbSNP rs567655402, ClinGen allele CA5407741.

ClinVar aggregate classification (germline): Uncertain significance (1 of 4 stars; one submission).

Conditions:
2-aminoadipic 2-oxoadipic aciduria (AAKAD). Also called: ALPHA-AMINOADIPIC AND ALPHA-KETOADIPIC ACIDURIA; Aminoadipic aciduria. Identifiers: Orphanet 79154, MedGen C1859817, MONDO:0008774, OMIM 204750.

Allele frequency attached by ClinVar (database versions not stated): gnomAD exomes below 0.00001; gnomAD 0.00001; ExAC 0.00002; 1000 Genomes Project 30x 0.00016; 1000 Genomes Project 0.00020.
gnomAD v4.1: 2 of 1,613,534 alleles (0.00012%); highest among the groups gnomAD compares: Non-Finnish European, 0.00017%; no homozygotes.

Submission:

Labcorp Genetics (formerly Invitae), Labcorp
Classification: Uncertain significance for 2-aminoadipic 2-oxoadipic aciduria. Last evaluated: 2023-12-27. Review status: criteria provided, single submitter. Criteria: Invitae Variant Classification Sherloc (09022015). Collection method: clinical testing. Allele origin: germline.
Comment: This sequence change replaces histidine, which is basic and polar, with tyrosine, which is neutral and polar, at codon 361 of the DHTKD1 protein (p.His361Tyr). This variant is present in population databases (rs567655402, gnomAD 0.002%). This variant has not been reported in the literature in individuals affected with DHTKD1-related conditions. Advanced modeling of protein sequence and biophysical properties (such as structural, functional, and spatial information, amino acid conservation, physicochemical variation, residue mobility, and thermodynamic stability) performed at Invitae indicates that this missense variant is expected to disrupt DHTKD1 protein function with a positive predictive value of 80%. In summary, the available evidence is currently insufficient to determine the role of this variant in disease. Therefore, it has been classified as a Variant of Uncertain Significance.